The following is an entry in ClinVar:

NM_001365951.3(KIF1B):c.1946C>G (p.Ser649Cys)

Gene: KIF1B (kinesin family member 1B; plus strand). Cytogenetic location: 1p36.22.
Variant type: single nucleotide variant.
Coding change: c.1946C>G on transcript NM_001365951.3 (MANE Select); coding-DNA position 1946, C replaced by G.
Protein change: p.Ser649Cys; replaces serine 649 with cysteine.
Molecular consequence: missense variant.
Genome position (GRCh38, 1-based): chr1:10,296,981, C>G. VCF-style: chr1-10296981-C-G. GRCh37 (hg19) VCF-style: chr1-10357039-C-G.
Other names: c.1946C>G, p.Ser649Cys (NM_001365952.1); c.1808C>G, p.Ser603Cys (NM_001365953.1, NM_015074.3, NM_183416.4); short protein forms S603C, S649C.
Identifiers: ClinVar variation 1780508 (VCV001780508.3), dbSNP rs1021755953, ClinGen allele CA17813932.

ClinVar aggregate classification (germline): Uncertain significance (1 of 4 stars; one submission).

Allele frequency attached by ClinVar (database versions not stated): gnomAD exomes below 0.00001; gnomAD 0.00001; TOPMed 0.00001.
gnomAD v4.1: 3 of 1,613,948 alleles (0.00019%); highest among the groups gnomAD compares: African/African-American, 0.004%; no homozygotes.

Submission:

Ambry Genetics
Classification: Uncertain significance. Last evaluated: 2024-04-11. Review status: criteria provided, single submitter. Criteria: Ambry Variant Classification Scheme 2023. Collection method: clinical testing. Allele origin: germline.
Comment: The p.S603C variant (also known as c.1808C>G), located in coding exon 18 of the KIF1B gene, results from a C to G substitution at nucleotide position 1808. The serine at codon 603 is replaced by cysteine, an amino acid with dissimilar properties. This amino acid position is well conserved in available vertebrate species. In addition, this alteration is predicted to be tolerated by in silico analysis. Since supporting evidence is limited at this time, the clinical significance of this alteration remains unclear.